The following is an entry in ClinVar:

NM_001160372.4(TRAPPC9):c.1941C>T (p.Leu647=)

Gene: TRAPPC9 (trafficking protein particle complex subunit 9; minus strand). Cytogenetic location: 8q24.3.
Variant type: single nucleotide variant.
Coding change: c.1941C>T on transcript NM_001160372.4 (MANE Select); coding-DNA position 1941, C replaced by T.
Protein change: p.Leu647=; no amino-acid change (leucine 647 retained).
Molecular consequence: synonymous variant. On other transcripts: non-coding transcript variant (1).
Genome position (GRCh38, 1-based): chr8:140,287,648, G>A on the plus strand (C>T on the coding strand, the complement: TRAPPC9 is on the minus strand). VCF-style: chr8-140287648-G-A. GRCh37 (hg19) VCF-style: chr8-141297747-G-A.
Other names: c.1914C>T, p.Leu638= (NM_001321646.2); c.1962C>T, p.Leu654= (NM_001374682.1); c.1941C>T, p.Leu647= (NM_001374683.1, NM_031466.8); c.1797C>T, p.Leu599= (NM_001374684.1).
Identifiers: ClinVar variation 2778018 (VCV002778018.17), dbSNP rs1431916113, ClinGen allele CA463096937.
Genomic context (GRCh38, chr8:140,287,648, plus strand): 5'-CATGAAGGGACTCTCCTTACCGTTCACAGTAATCGTTCCAGTCGTCTGCGGGACCCCGAC[G>A]AGCGTCACTGGGTACAGACCAGATTCAGCCGGAAGAGAAAGCGCCGCAGGGAGAGACTCG-3'
Protein context (NP_001153844.1, residues 637-657): PAESGLYPVT[Leu647=]VGVPQTTGTI

ClinVar aggregate classification (germline): Likely benign. Review status: criteria provided, multiple submitters, no conflicts (2 of 4 stars). 2 submissions from 2 submitters: Likely benign (2). Last evaluated 2024-10-01.

Allele frequency attached by ClinVar (database versions not stated): gnomAD exomes 0.00001; gnomAD 0.00003.
gnomAD v4.1: 13 of 1,614,036 alleles (0.00081%); highest among the groups gnomAD compares: Admixed American, 0.0083%; no homozygotes.

Submissions (2):

CeGaT Center for Human Genetics Tuebingen
Classification: Likely benign. Last evaluated: 2024-10-01. Review status: criteria provided, single submitter. Criteria: CeGaT Center For Human Genetics Tuebingen Variant Classification Criteria Version 2. Collection method: clinical testing. Allele origin: germline. Affected: yes. Observed: 1 variant allele.
Comment: TRAPPC9: BP4, BP7

Labcorp Genetics (formerly Invitae), Labcorp
Classification: Likely benign. Last evaluated: 2024-02-26. Review status: criteria provided, single submitter. Criteria: Invitae Variant Classification Sherloc (09022015). Collection method: clinical testing. Allele origin: germline.